The following is an entry in ClinVar:

ClinVar aggregate classification (germline): Uncertain significance (1 of 4 stars; one submission).

Conditions:
Pyogenic arthritis-pyoderma gangrenosum-acne syndrome (PAPA). Also called: PAPA SYNDROME; FAMILIAL RECURRENT ARTHRITIS. Identifiers: Orphanet 69126, MedGen C1858361, MONDO:0011462, OMIM 604416.

Submission:

Labcorp Genetics (formerly Invitae), Labcorp
Classification: Uncertain significance for Pyogenic arthritis-pyoderma gangrenosum-acne syndrome. Last evaluated: 2023-12-25. Review status: criteria provided, single submitter. Criteria: Invitae Variant Classification Sherloc (09022015). Collection method: clinical testing. Allele origin: germline.
Comment: This sequence change replaces leucine, which is neutral and non-polar, with phenylalanine, which is neutral and non-polar, at codon 227 of the PSTPIP1 protein (p.Leu227Phe). This variant is not present in population databases (gnomAD no frequency). This variant has not been reported in the literature in individuals affected with PSTPIP1-related conditions. Advanced modeling of protein sequence and biophysical properties (such as structural, functional, and spatial information, amino acid conservation, physicochemical variation, residue mobility, and thermodynamic stability) performed at Invitae indicates that this missense variant is not expected to disrupt PSTPIP1 protein function with a negative predictive value of 80%. In summary, the available evidence is currently insufficient to determine the role of this variant in disease. Therefore, it has been classified as a Variant of Uncertain Significance.

NM_003978.5(PSTPIP1):c.679C>T (p.Leu227Phe)

Gene: PSTPIP1 (proline-serine-threonine phosphatase interacting protein 1; plus strand). Cytogenetic location: 15q24.3.
Variant type: single nucleotide variant.
Coding change: c.679C>T on transcript NM_003978.5 (MANE Select); coding-DNA position 679, C replaced by T.
Protein change: p.Leu227Phe; replaces leucine 227 with phenylalanine.
Molecular consequence: missense variant. On other transcripts: non-coding transcript variant (1).
Genome position (GRCh38, 1-based): chr15:77,031,216, C>T. VCF-style: chr15-77031216-C-T. GRCh37 (hg19) VCF-style: chr15-77323557-C-T.
Other names: c.679C>T, p.Leu227Phe (NM_001321135.2, NM_001411086.1); c.652C>T, p.Leu218Phe (NM_001321136.2); c.874C>T, p.Leu292Phe (NM_001321137.1); short protein forms L218F, L227F, L292F.
Identifiers: ClinVar variation 2705458 (VCV002705458.3), dbSNP rs2542849124, ClinGen allele CA393520883.
Genomic context (GRCh38, chr15:77,031,216, plus strand): 5'-TCACCTCCCTCCCACTGCCCCCAGGCCTTTCAGCTGCAAGAGTTTGACCGGCTGACCATT[C>T]TCCGCAACGCCCTGTGGGTGCACAGCAACCAGCTCTCCATGCAGTGTGTCAAGGATGATG-3'
Protein context (NP_003969.2, residues 217-237): QLQEFDRLTI[Leu227Phe]RNALWVHSNQ